The following is an entry in ClinVar:

NM_000138.5(FBN1):c.2459T>C (p.Val820Ala)

Gene: FBN1 (fibrillin 1; minus strand). Cytogenetic location: 15q21.1.
Variant type: single nucleotide variant.
Coding change: c.2459T>C on transcript NM_000138.5 (MANE Select); coding-DNA position 2459, T replaced by C.
Protein change: p.Val820Ala; replaces valine 820 with alanine.
Molecular consequence: missense variant.
Genome position (GRCh38, 1-based): chr15:48,495,549, A>G on the plus strand (T>C on the coding strand, the complement: FBN1 is on the minus strand). VCF-style: chr15-48495549-A-G. GRCh37 (hg19) VCF-style: chr15-48787746-A-G.
Other names: c.2459T>C, p.Val820Ala (NM_001406716.1); short protein forms V820A.
Identifiers: ClinVar variation 2943561 (VCV002943561.3), dbSNP rs2505572040, ClinGen allele CA392334616.

ClinVar aggregate classification (germline): Uncertain significance (1 of 4 stars; one submission).

Conditions:
Marfan syndrome (MFS). Also called: MARFAN SYNDROME, TYPE I; Marfan syndrome type 1; Marfan's syndrome; Marfan syndrome, classic; FBN1-Related Marfan Syndrome. Identifiers: Orphanet 284963, Orphanet 558, MedGen C0024796, MONDO:0007947, OMIM 154700.
Familial thoracic aortic aneurysm and aortic dissection (TAAD). Also called: Thoracic aortic aneurysms and dissections. Identifiers: Orphanet 91387, MedGen C4707243, MONDO:0019625.

Submission:

Labcorp Genetics (formerly Invitae), Labcorp
Classification: Uncertain significance for Marfan syndrome; Familial thoracic aortic aneurysm and aortic dissection. Last evaluated: 2023-01-23. Review status: criteria provided, single submitter. Criteria: Invitae Variant Classification Sherloc (09022015). Collection method: clinical testing. Allele origin: germline.
Comment: In summary, the available evidence is currently insufficient to determine the role of this variant in disease. Therefore, it has been classified as a Variant of Uncertain Significance. Advanced modeling of protein sequence and biophysical properties (such as structural, functional, and spatial information, amino acid conservation, physicochemical variation, residue mobility, and thermodynamic stability) performed at Invitae indicates that this missense variant is not expected to disrupt FBN1 protein function. This variant has not been reported in the literature in individuals affected with FBN1-related conditions. This variant is not present in population databases (gnomAD no frequency). This sequence change replaces valine, which is neutral and non-polar, with alanine, which is neutral and non-polar, at codon 820 of the FBN1 protein (p.Val820Ala).